The following is an entry in ClinVar:

NM_006949.4(STXBP2):c.1064A>T (p.Lys355Met)

Gene: STXBP2 (syntaxin binding protein 2; plus strand). Cytogenetic location: 19p13.2.
Variant type: single nucleotide variant.
Coding change: c.1064A>T on transcript NM_006949.4 (MANE Select); coding-DNA position 1064, A replaced by T.
Protein change: p.Lys355Met; replaces lysine 355 with methionine.
Molecular consequence: missense variant.
Genome position (GRCh38, 1-based): chr19:7,643,202, A>T. VCF-style: chr19-7643202-A-T. GRCh37 (hg19) VCF-style: chr19-7708088-A-T.
Other names: c.1055A>T, p.Lys352Met (NM_001127396.3); c.1097A>T, p.Lys366Met (NM_001272034.2); short protein forms K352M, K355M, K366M.
Identifiers: ClinVar variation 1041710 (VCV001041710.9), dbSNP rs2031967645, ClinGen allele CA403160873.

ClinVar aggregate classification (germline): Uncertain significance (1 of 4 stars; one submission).

Conditions:
Familial hemophagocytic lymphohistiocytosis 5. Also called: STXBP2-Related Familial Hemophagocytic Lymphohistiocytosis (STXBP2-fHLH). Identifiers: Orphanet 540, MedGen C2751293, MONDO:0013135, OMIM 613101.

Submission:

Labcorp Genetics (formerly Invitae), Labcorp
Classification: Uncertain significance for Familial hemophagocytic lymphohistiocytosis 5. Last evaluated: 2021-08-11. Review status: criteria provided, single submitter. Criteria: Invitae Variant Classification Sherloc (09022015). Collection method: clinical testing. Allele origin: germline.
Comment: In summary, the available evidence is currently insufficient to determine the role of this variant in disease. Therefore, it has been classified as a Variant of Uncertain Significance. Algorithms developed to predict the effect of missense changes on protein structure and function (SIFT, PolyPhen-2, Align-GVGD) all suggest that this variant is likely to be disruptive, but these predictions have not been confirmed by published functional studies and their clinical significance is uncertain. This variant has not been reported in the literature in individuals with STXBP2-related conditions. This variant is not present in population databases (ExAC no frequency). This sequence change replaces lysine with methionine at codon 355 of the STXBP2 protein (p.Lys355Met). The lysine residue is highly conserved and there is a moderate physicochemical difference between lysine and methionine.